The following is an entry in ClinVar:

ClinVar aggregate classification (germline): Uncertain significance. Review status: criteria provided, multiple submitters, no conflicts (2 of 4 stars). 3 submissions from 3 submitters: Uncertain significance (2). 1 of the submissions does not count toward it. Last evaluated 2024-02-15.

Conditions:
Acyl-CoA dehydrogenase 9 deficiency. Also called: Acyl-CoA dehydrogenase family, member 9, deficiency of; MITOCHONDRIAL COMPLEX I DEFICIENCY, NUCLEAR TYPE 20. Identifiers: Orphanet 99901, MedGen C4747517, MONDO:0012624, OMIM 611126.

Allele frequency attached by ClinVar (database versions not stated): gnomAD exomes 0.00001 and 0.00002; ExAC 0.00002; gnomAD 0.00007; ESP Exome Variant Server 0.00008; TOPMed 0.00008.
gnomAD v4.1: 25 of 1,614,036 alleles (0.0015%); highest among the groups gnomAD compares: African/African-American, 0.019%; no homozygotes.

Submissions (3):

Blueprint Genetics
Classification: Uncertain significance. Last evaluated: 2024-02-15. Review status: criteria provided, single submitter. Criteria: ACMG Guidelines, 2015. Collection method: clinical testing. Allele origin: germline.

GeneDx
Classification: Uncertain significance. Last evaluated: 2019-11-26. Review status: criteria provided, single submitter. Criteria: GeneDx Variant Classification Process June 2021. Collection method: clinical testing. Allele origin: germline. Affected: yes.
Comment: In silico analysis, which includes protein predictors and evolutionary conservation, supports a deleterious effect; Has not been previously published as pathogenic or benign to our knowledge; This variant is associated with the following publications: (PMID: 31589614)

Natera, Inc.
Classification: Uncertain significance for ACAD9 deficiency. Last evaluated: 2020-07-17. Review status: no assertion criteria provided. Collection method: clinical testing. Allele origin: germline. Not counted in ClinVar's aggregate classification.

NM_014049.5(ACAD9):c.1309G>A (p.Ala437Thr)

Gene: ACAD9 (acyl-CoA dehydrogenase family member 9; plus strand). Cytogenetic location: 3q21.3.
Variant type: single nucleotide variant.
Coding change: c.1309G>A on transcript NM_014049.5 (MANE Select); coding-DNA position 1309, G replaced by A.
Protein change: p.Ala437Thr; replaces alanine 437 with threonine.
Molecular consequence: missense variant. On other transcripts: non-coding transcript variant (1).
Genome position (GRCh38, 1-based): chr3:128,908,215, G>A. VCF-style: chr3-128908215-G-A. GRCh37 (hg19) VCF-style: chr3-128627058-G-A.
Other names: p.A437T:GCC>ACC; short protein forms A437T.
Identifiers: ClinVar variation 214005 (VCV000214005.5), dbSNP rs370266841, ClinGen allele CA319930.
Genomic context (GRCh38, chr3:128,908,215, plus strand): 5'-AGCCTTTGACCTCTACACTACTGACCACAGGGAACCAATGAGATTCTCCGGATGTACATC[G>A]CCCTGACGGGTCTGCAGCATGCCGGCCGCATCCTGACTACCAGGATCCAGTAGGTGCCAT-3'
Protein context (NP_054768.2, residues 427-447): GTNEILRMYI[Ala437Thr]LTGLQHAGRI